The following is an entry in ClinVar:

ClinVar aggregate classification (germline): Uncertain significance (1 of 4 stars; one submission).

Submission:

Women's Health and Genetics/Laboratory Corporation of America, LabCorp
Classification: Uncertain significance. Last evaluated: 2025-09-10. Review status: criteria provided, single submitter. Criteria: LabCorp Variant Classification Summary - May 2015. Collection method: clinical testing. Allele origin: germline.
Comment: Variant summary: NAA15 c.719T>C (p.Leu240Ser) results in a non-conservative amino acid change in the encoded protein sequence. Algorithms developed to predict the effect of missense changes on protein structure and function are either unavailable or do not agree on the potential impact of this missense change. The variant allele was found at a frequency of 1.2e-05 in 242988 control chromosomes. The available data on variant occurrences in the general population are insufficient to allow any conclusion about variant significance. To our knowledge, no occurrence of c.719T>C in individuals affected with NAA15-related conditions and no experimental evidence demonstrating its impact on protein function have been reported. No submitters have cited clinical-significance assessments for this variant to ClinVar. Based on the evidence outlined above, the variant was classified as uncertain significance.

NM_057175.5(NAA15):c.719T>C (p.Leu240Ser)

Gene: NAA15 (N-alpha-acetyltransferase 15, NatA auxiliary subunit; plus strand). Cytogenetic location: 4q31.1.
Variant type: single nucleotide variant.
Coding change: c.719T>C on transcript NM_057175.5 (MANE Select); coding-DNA position 719, T replaced by C.
Protein change: p.Leu240Ser; replaces leucine 240 with serine.
Molecular consequence: missense variant.
Genome position (GRCh38, 1-based): chr4:139,349,489, T>C. VCF-style: chr4-139349489-T-C. GRCh37 (hg19) VCF-style: chr4-140270643-T-C.
Other names: c.719T>C, p.Leu240Ser (NM_001410842.1); short protein forms L240S.
Identifiers: ClinVar variation 4535606 (VCV004535606.1).
Genomic context (GRCh38, chr4:139,349,489, plus strand): 5'-ATTAAAATTTTTTTTTTTTCTGTTTTTAATCAGGGGAACTTCTGTTGCAACTATGTCGTT[T>C]GGAAGATGCTGCAGATGTTTATAGAGGATTGCAAGAGAGAAATCCTGAAAACTGGGCCTA-3'
Protein context (NP_476516.1, residues 230-250): KGELLLQLCR[Leu240Ser]EDAADVYRGL